The following is an entry in ClinVar:

ClinVar aggregate classification (germline): Uncertain significance (1 of 4 stars; one submission).

Conditions:
Cardiovascular phenotype. Identifiers: MedGen CN230736.

Submission:

Ambry Genetics
Classification: Uncertain significance for Cardiovascular phenotype. Last evaluated: 2023-12-22. Review status: criteria provided, single submitter. Criteria: Ambry Variant Classification Scheme 2023. Collection method: clinical testing. Allele origin: germline.
Comment: The c.4788_4789delGCinsTT variant (also known as p.L1597F), located in coding exon 27 of the SCN10A gene, results from an in-frame deletion of GC and insertion of TT at nucleotide positions 4788 to 4789. This results in the substitution of the leucine residue for a phenylalanine residue at codon 1597, an amino acid with highly similar properties. This amino acid position is highly conserved in available vertebrate species. In addition, the in silico prediction for this alteration is inconclusive (Choi Y et al. PLoS ONE. 2012; 7(10):e46688). The evidence for this gene-disease relationship is limited; therefore, the clinical significance of this alteration is unclear.

NM_006514.4(SCN10A):c.4788_4789delinsTT (p.Leu1597Phe)

Gene: SCN10A (sodium voltage-gated channel alpha subunit 10; minus strand). Cytogenetic location: 3p22.2.
Variant type: Indel.
Coding change: c.4788_4789delinsTT on transcript NM_006514.4 (MANE Select); coding-DNA positions 4788 to 4789, GC replaced by TT.
Protein change: p.Leu1597Phe; replaces leucine 1597 with phenylalanine.
Molecular consequence: missense variant.
Genome position (GRCh38, 1-based): chr3:38,698,431-38,698,432, GC replaced by AA on the plus strand (GC replaced by TT on the coding strand, the reverse complement: SCN10A is on the minus strand). VCF-style: chr3-38698431-GC-AA. GRCh37 (hg19) VCF-style: chr3-38739922-GC-AA.
Other names: c.4785_4786delinsTT, p.Leu1596Phe (NM_001293306.2); c.4494_4495delinsTT, p.Leu1499Phe (NM_001293307.2); short protein forms L1499F, L1596F, L1597F.
Identifiers: ClinVar variation 3225667 (VCV003225667.1), dbSNP rs2470555093, ClinGen allele CA2825001234.
Genomic context (GRCh38, chr3:38,698,431, plus strand): 5'-CAAGGAATAGCAACAGCCCGATGTTGAAGAGGGCAGGCAGGGACATCATGAGGGCAAAGA[GC>AA]AGTGTGCGGATCCCCTTGGCCGCTCGGATCAGTCTGAGGATGCGGCCAATTCGGGCCAGG-3'
Protein context (NP_006505.4, residues 1587-1607): IRAAKGIRTL[Leu1597Phe]FALMMSLPAL